The following is an entry in ClinVar:

ClinVar aggregate classification (germline): Benign/Likely benign. Review status: criteria provided, multiple submitters, no conflicts (2 of 4 stars). 4 submissions from 4 submitters: Benign (1); Likely benign (3). Last evaluated 2026-03-25.

Conditions:
ARID1A-related disorder. Also called: ARID1A-related condition.

Allele frequency attached by ClinVar (database versions not stated): TOPMed 0.00014; gnomAD 0.00015; gnomAD exomes 0.00020.
gnomAD v4.1: 254 of 1,344,006 alleles (0.019%); highest among the groups gnomAD compares: Non-Finnish European, 0.023%; 1 homozygote.

Submissions (4):

PreventionGenetics, part of Exact Sciences
Classification: Likely benign for ARID1A-related condition. Last evaluated: 2026-03-25. Review status: criteria provided, single submitter. Criteria: ACMG Guidelines, 2015. Collection method: clinical testing. Allele origin: germline.
Comment: This variant is classified as likely benign based on ACMG/AMP sequence variant interpretation guidelines (Richards et al. 2015 PMID: 25741868, with internal and published modifications).

Labcorp Genetics (formerly Invitae), Labcorp
Classification: Benign. Last evaluated: 2025-11-10. Review status: criteria provided, single submitter. Criteria: Invitae Variant Classification Sherloc (09022015). Collection method: clinical testing. Allele origin: germline.

Blueprint Genetics
Classification: Likely benign. Last evaluated: 2024-09-24. Review status: criteria provided, single submitter. Criteria: ACMG Guidelines, 2015. Collection method: clinical testing. Allele origin: germline.

CeGaT Center for Human Genetics Tuebingen
Classification: Likely benign. Last evaluated: 2023-03-01. Review status: criteria provided, single submitter. Criteria: CeGaT Center For Human Genetics Tuebingen Variant Classification Criteria Version 2. Collection method: clinical testing. Allele origin: germline. Affected: yes. Observed: 1 variant allele.
Comment: ARID1A: BP4, BP7

NM_006015.6(ARID1A):c.915C>T (p.Ala305=)

Genes: ARID1A (AT-rich interaction domain 1A; plus strand), LOC129929837 (ATAC-STARR-seq lymphoblastoid silent region 489; plus strand). Cytogenetic location: 1p36.11.
Variant type: single nucleotide variant.
Coding change: c.915C>T on transcript NM_006015.6 (MANE Select); coding-DNA position 915, C replaced by T.
Protein change: p.Ala305=; no amino-acid change (alanine 305 retained).
Molecular consequence: synonymous variant.
Genome position (GRCh38, 1-based): chr1:26,697,318, C>T. VCF-style: chr1-26697318-C-T. GRCh37 (hg19) VCF-style: chr1-27023809-C-T.
Other names: c.915C>T, p.Ala305= (NM_139135.4).
Identifiers: ClinVar variation 2498396 (VCV002498396.33), dbSNP rs768830456, ClinGen allele CA706705.